The following is an entry in ClinVar:

NM_000059.4(BRCA2):c.7900A>G (p.Met2634Val)

Gene: BRCA2 (BRCA2 DNA repair associated; plus strand). Cytogenetic location: 13q13.1.
Variant type: single nucleotide variant.
Coding change: c.7900A>G on transcript NM_000059.4 (MANE Select); coding-DNA position 7900, A replaced by G.
Protein change: p.Met2634Val; replaces methionine 2634 with valine.
Molecular consequence: missense variant.
Genome position (GRCh38, 1-based): chr13:32,362,617, A>G. VCF-style: chr13-32362617-A-G. GRCh37 (hg19) VCF-style: chr13-32936754-A-G.
Other names: short protein forms M2634V.
Identifiers: ClinVar variation 958262 (VCV000958262.16), dbSNP rs1207483065, ClinGen allele CA387747144.
Genomic context (GRCh38, chr13:32,362,617, plus strand): 5'-CTTATTTCTAGAATTTGGGTTTATAATCACTATAGATGGATCATATGGAAACTGGCAGCT[A>G]TGGAATGTGCCTTTCCTAAGGAATTTGCTAATAGATGCCTAAGCCCAGAAAGGGTGCTTC-3'
Protein context (NP_000050.3, residues 2624-2644): YRWIIWKLAA[Met2634Val]ECAFPKEFAN

ClinVar aggregate classification (germline): Conflicting classifications of pathogenicity. Review status: criteria provided, conflicting classifications (1 of 4 stars). 4 submissions from 4 submitters: Uncertain significance (2); Likely benign (1). 1 of the submissions does not count toward it. Last evaluated 2026-07-31.

Conditions:
Familial cancer of breast. Also called: BREAST CANCER, FAMILIAL; hereditary breast carcinoma; Hereditary breast cancer. Identifiers: Orphanet 227535, MedGen C0346153, MONDO:0016419, OMIM 114480. Disease mechanism: loss of function.
Hereditary cancer-predisposing syndrome. Also called: Hereditary neoplastic syndrome; Tumor predisposition; Neoplastic Syndromes, Hereditary; Hereditary Cancer Syndrome. Identifiers: Orphanet 140162, MedGen C0027672, MeSH D009386, MONDO:0015356.
Hereditary breast ovarian cancer syndrome. Also called: Hereditary breast and ovarian cancer; BRCA1- and BRCA2-Associated Hereditary Breast and Ovarian Cancer; Hereditary breast and/or ovarian cancer syndrome; Hereditary breast and ovarian cancer syndrome (HBOC); Hereditary breast and ovarian cancer syndrome; Breast and ovarian cancer. Identifiers: Orphanet 145, MedGen C0677776, MeSH D061325, MONDO:0003582. Disease mechanism: loss of function.
Inherited breast cancer and ovarian cancer.

Allele frequency attached by ClinVar (database versions not stated): gnomAD exomes below 0.00001.
gnomAD v4.1: 4 of 1,614,200 alleles (0.00025%); highest among the groups gnomAD compares: East Asian, 0.0022%; no homozygotes.

Submissions (4):

Genomics and Molecular Medicine Service, East Genomic Laboratory Hub, NHS Genomic Medicine Service
Classification: Uncertain significance for Inherited breast cancer and ovarian cancer. Last evaluated: 2026-07-31. Review status: criteria provided, single submitter. Criteria: ACGS Best Practice Guidelines for Variant Classification in Rare Disease 2020. Collection method: clinical testing. Allele origin: germline. Affected: yes.
Comment: PM1_Supporting,PM2_Supporting,PP3

Ambry Genetics
Classification: Likely benign for Hereditary cancer-predisposing syndrome. Last evaluated: 2025-05-19. Review status: criteria provided, single submitter. Criteria: Ambry Variant Classification Scheme 2023. Collection method: clinical testing. Allele origin: germline.

Labcorp Genetics (formerly Invitae), Labcorp
Classification: Uncertain significance for Hereditary breast ovarian cancer syndrome. Last evaluated: 2020-11-05. Review status: criteria provided, single submitter. Criteria: Invitae Variant Classification Sherloc (09022015). Collection method: clinical testing. Allele origin: germline.
Comment: In summary, the available evidence is currently insufficient to determine the role of this variant in disease. Therefore, it has been classified as a Variant of Uncertain Significance. Algorithms developed to predict the effect of missense changes on protein structure and function are either unavailable or do not agree on the potential impact of this missense change (SIFT: "Deleterious"; PolyPhen-2: "Probably Damaging"; Align-GVGD: "Class C15"). This variant has not been reported in the literature in individuals with BRCA2-related conditions. This variant is not present in population databases (ExAC no frequency). This sequence change replaces methionine with valine at codon 2634 of the BRCA2 protein (p.Met2634Val). The methionine residue is highly conserved and there is a small physicochemical difference between methionine and valine.

Center for Precision Medicine, Meizhou People's Hospital
Classification: Uncertain significance for Familial cancer of breast. Review status: no assertion criteria provided. Collection method: curation. Allele origin: germline. Affected: yes. Not counted in ClinVar's aggregate classification.

Literature cited by the submitters: PubMed 35918668 (cited by Ambry Genetics).